The following is an entry in ClinVar:

NM_025215.6(PUS1):c.725C>T (p.Thr242Met)

Gene: PUS1 (pseudouridine synthase 1; plus strand). Cytogenetic location: 12q24.33.
Variant type: single nucleotide variant.
Coding change: c.725C>T on transcript NM_025215.6 (MANE Select); coding-DNA position 725, C replaced by T.
Protein change: p.Thr242Met; replaces threonine 242 with methionine.
Molecular consequence: missense variant.
Genome position (GRCh38, 1-based): chr12:131,941,472, C>T. VCF-style: chr12-131941472-C-T. GRCh37 (hg19) VCF-style: chr12-132426017-C-T.
Other names: c.641C>T, p.Thr214Met (NM_001002019.3, NM_001002020.3); short protein forms T242M, T214M.
Identifiers: ClinVar variation 307704 (VCV000307704.7), dbSNP rs886049092, ClinGen allele CA10640546.

ClinVar aggregate classification (germline): Uncertain significance. Review status: criteria provided, multiple submitters, no conflicts (2 of 4 stars). 3 submissions from 3 submitters: Uncertain significance (3). Last evaluated 2022-10-25.

Conditions:
Inborn genetic diseases. Identifiers: MedGen C0950123, MeSH D030342.
Myopathy, lactic acidosis, and sideroblastic anemia 1 (MLASA1). Identifiers: Orphanet 2598, MedGen C4551958, MONDO:0024553, OMIM 600462.

Allele frequency attached by ClinVar (database versions not stated): gnomAD 0.00001; gnomAD exomes 0.00001; TOPMed 0.00002.
gnomAD v4.1: 11 of 1,613,498 alleles (0.00068%); highest among the groups gnomAD compares: Admixed American, 0.0033%; no homozygotes.

Submissions (3):

Ambry Genetics
Classification: Uncertain significance for Inborn genetic diseases. Last evaluated: 2022-10-25. Review status: criteria provided, single submitter. Criteria: Ambry Variant Classification Scheme 2023. Collection method: clinical testing. Allele origin: germline.

Labcorp Genetics (formerly Invitae), Labcorp
Classification: Uncertain significance. Last evaluated: 2022-04-18. Review status: criteria provided, single submitter. Criteria: Invitae Variant Classification Sherloc (09022015). Collection method: clinical testing. Allele origin: germline.
Comment: This sequence change replaces threonine, which is neutral and polar, with methionine, which is neutral and non-polar, at codon 242 of the PUS1 protein (p.Thr242Met). This variant is present in population databases (no rsID available, gnomAD 0.007%). This variant has not been reported in the literature in individuals affected with PUS1-related conditions. ClinVar contains an entry for this variant (Variation ID: 307704). Algorithms developed to predict the effect of missense changes on protein structure and function are either unavailable or do not agree on the potential impact of this missense change (SIFT: "Deleterious"; PolyPhen-2: "Probably Damaging"; Align-GVGD: "Class C0"). In summary, the available evidence is currently insufficient to determine the role of this variant in disease. Therefore, it has been classified as a Variant of Uncertain Significance.

Illumina Laboratory Services, Illumina
Classification: Uncertain significance for Myopathy, lactic acidosis, and sideroblastic anemia 1. Last evaluated: 2018-01-12. Review status: criteria provided, single submitter. Criteria: ICSL Variant Classification Criteria 13 December 2019. Collection method: clinical testing. Allele origin: germline.